The following is an entry in ClinVar:

ClinVar aggregate classification (germline): Uncertain significance (1 of 4 stars; one submission).

Conditions:
Mitochondrial hypertrophic cardiomyopathy with lactic acidosis due to MTO1 deficiency. Also called: Combined oxidative phosphorylation deficiency 10; CARDIOMYOPATHY, INFANTILE HYPERTROPHIC MITOCHONDRIAL, AND LACTIC ACIDOSIS. Identifiers: Orphanet 314637, MedGen C4749921, MONDO:0013865, OMIM 614702.

Allele frequency attached by ClinVar (database versions not stated): gnomAD exomes below 0.00001.
gnomAD v4.1: 9 of 1,614,030 alleles (0.00056%); highest among the groups gnomAD compares: Non-Finnish European, 0.00051%; no homozygotes.

Submission:

Labcorp Genetics (formerly Invitae), Labcorp
Classification: Uncertain significance for Mitochondrial hypertrophic cardiomyopathy with lactic acidosis due to MTO1 deficiency. Last evaluated: 2021-05-20. Review status: criteria provided, single submitter. Criteria: Invitae Variant Classification Sherloc (09022015). Collection method: clinical testing. Allele origin: germline.
Comment: Algorithms developed to predict the effect of missense changes on protein structure and function are either unavailable or do not agree on the potential impact of this missense change (SIFT: "Deleterious"; PolyPhen-2: "Probably Damaging"; Align-GVGD: "Class C0"). This variant has not been reported in the literature in individuals with MTO1-related conditions. This variant is not present in population databases (ExAC no frequency). This sequence change replaces leucine with arginine at codon 225 of the MTO1 protein (p.Leu225Arg). The leucine residue is moderately conserved and there is a moderate physicochemical difference between leucine and arginine. In summary, the available evidence is currently insufficient to determine the role of this variant in disease. Therefore, it has been classified as a Variant of Uncertain Significance.

NM_012123.4(MTO1):c.674T>G (p.Leu225Arg)

Gene: MTO1 (mitochondrial tRNA translation optimization 1; plus strand). Cytogenetic location: 6q13.
Variant type: single nucleotide variant.
Coding change: c.674T>G on transcript NM_012123.4 (MANE Select); coding-DNA position 674, T replaced by G.
Protein change: p.Leu225Arg; replaces leucine 225 with arginine.
Molecular consequence: missense variant.
Genome position (GRCh38, 1-based): chr6:73,473,503, T>G. VCF-style: chr6-73473503-T-G. GRCh37 (hg19) VCF-style: chr6-74183226-T-G.
Other names: c.674T>G, p.Leu225Arg (NM_001123226.2, NM_133645.3); short protein forms L225R.
Identifiers: ClinVar variation 1433180 (VCV001433180.8), dbSNP rs1327928200, ClinGen allele CA364713808.